The following is an entry in ClinVar:

ClinVar aggregate classification (germline): Likely benign (1 of 4 stars; one submission).

gnomAD v4.1: 34 of 1,613,948 alleles (0.0021%); highest among the groups gnomAD compares: East Asian, 0.0089%; no homozygotes.

Submission:

CeGaT Center for Human Genetics Tuebingen
Classification: Likely benign. Last evaluated: 2025-03-01. Review status: criteria provided, single submitter. Criteria: CeGaT Center For Human Genetics Tuebingen Variant Classification Criteria Version 2. Collection method: clinical testing. Allele origin: germline. Affected: yes. Observed: 1 variant allele.
Comment: DDB1: BP4, BP7

NM_001923.5(DDB1):c.3234C>T (p.Thr1078=)

Genes: DDB1 (damage specific DNA binding protein 1; minus strand), LOC126861224 (MED14-independent group 3 enhancer GRCh37_chr11:61067594-61068793; plus strand). Cytogenetic location: 11q12.2.
Variant type: single nucleotide variant.
Coding change: c.3234C>T on transcript NM_001923.5 (MANE Select); coding-DNA position 3234, C replaced by T.
Protein change: p.Thr1078=; no amino-acid change (threonine 1078 retained).
Molecular consequence: synonymous variant.
Genome position (GRCh38, 1-based): chr11:61,300,914, G>A on the plus strand (C>T on the coding strand, the complement: DDB1 is on the minus strand). VCF-style: chr11-61300914-G-A. GRCh37 (hg19) VCF-style: chr11-61068386-G-A.
Identifiers: ClinVar variation 3778211 (VCV003778211.7).